The following is an entry in ClinVar:

ClinVar aggregate classification (germline): Benign (1 of 4 stars; one submission).

Conditions:
Myoglobinuria, acute recurrent, autosomal recessive. Also called: MYOGLOBINURIA, FAMILIAL PAROXYSMAL PARALYTIC; RHABDOMYOLYSIS, ACUTE RECURRENT; Myoglobinuria, recurrent, autosomal recessive. Identifiers: Orphanet 99845, MedGen C1849386, MONDO:0009992, OMIM 268200.

Allele frequency attached by ClinVar (database versions not stated): 1000 Genomes Project 0.00699; 1000 Genomes Project 30x 0.00718; gnomAD 0.00898 and 0.00990; TOPMed 0.01027.

Submission:

Illumina Laboratory Services, Illumina
Classification: Benign for Myoglobinuria, acute recurrent, autosomal recessive. Last evaluated: 2018-01-12. Review status: criteria provided, single submitter. Criteria: ICSL Variant Classification Criteria 13 December 2019. Collection method: clinical testing. Allele origin: germline.
Comment: This variant was observed in the ICSL laboratory as part of a predisposition screen in an ostensibly healthy population. It had not been previously curated by ICSL or reported in the Human Gene Mutation Database (HGMD: prior to June 1st, 2018), and was therefore a candidate for classification through an automated scoring system. Utilizing variant allele frequency, disease prevalence and penetrance estimates, and inheritance mode, an automated score was calculated to assess if this variant is too frequent to cause the disease. Based on the score and internal cut-off values, a variant classified as benign is not then subjected to further curation. The score for this variant resulted in a classification of benign for this disease.

NM_001349206.2(LPIN1):c.*623A>C

Gene: LPIN1 (lipin 1; plus strand). Cytogenetic location: 2p25.1.
Variant type: single nucleotide variant.
Coding change: c.*623A>C on transcript NM_001349206.2 (MANE Select); 623 bases downstream of the stop codon, A replaced by C.
Molecular consequence: 3 prime UTR variant. On other transcripts: non-coding transcript variant (1).
Genome position (GRCh38, 1-based): chr2:11,825,414, A>C. VCF-style: chr2-11825414-A-C. GRCh37 (hg19) VCF-style: chr2-11965540-A-C.
Other names: c.*623A>C (NM_001261427.3, NM_001261428.3, NM_001349199.2 and 9 more transcripts).
Identifiers: ClinVar variation 330928 (VCV000330928.5), dbSNP rs76762966, ClinGen allele CA10611922.
Genomic context (GRCh38, chr2:11,825,414, plus strand): 5'-CTTGGCCTTGTGGATGGGCCCCTTACAGTATTTGCTGACTAGTCTCATTTTTAGGTGATA[A>C]ATTTTTCTTTAATTCCTTTGGTTAAAGATAGTCTATTTCATTGGCATATCTCCCCCCAGT-3'